The following is an entry in ClinVar:

ClinVar aggregate classification (germline): Uncertain significance (1 of 4 stars; one submission).

Submission:

Labcorp Genetics (formerly Invitae), Labcorp
Classification: Uncertain significance. Last evaluated: 2025-08-03. Review status: criteria provided, single submitter. Criteria: Invitae Variant Classification Sherloc (09022015). Collection method: clinical testing. Allele origin: germline.
Comment: This sequence change replaces arginine, which is basic and polar, with glycine, which is neutral and non-polar, at codon 1252 of the ANK1 protein (p.Arg1252Gly). This variant is not present in population databases (gnomAD no frequency). This variant has not been reported in the literature in individuals affected with ANK1-related conditions. Invitae Evidence Modeling of protein sequence and biophysical properties (such as structural, functional, and spatial information, amino acid conservation, physicochemical variation, residue mobility, and thermodynamic stability) indicates that this missense variant is not expected to disrupt ANK1 protein function with a negative predictive value of 80%. In summary, the available evidence is currently insufficient to determine the role of this variant in disease. Therefore, it has been classified as a Variant of Uncertain Significance.

NM_000037.4(ANK1):c.3754C>G (p.Arg1252Gly)

Gene: ANK1 (ankyrin 1; minus strand). Cytogenetic location: 8p11.21.
Variant type: single nucleotide variant.
Coding change: c.3754C>G on transcript NM_000037.4 (MANE Select); coding-DNA position 3754, C replaced by G.
Protein change: p.Arg1252Gly; replaces arginine 1252 with glycine.
Molecular consequence: missense variant.
Genome position (GRCh38, 1-based): chr8:41,692,752, G>C on the plus strand (C>G on the coding strand, the complement: ANK1 is on the minus strand). VCF-style: chr8-41692752-G-C. GRCh37 (hg19) VCF-style: chr8-41550270-G-C.
Other names: c.3877C>G, p.Arg1293Gly (NM_001142446.2); c.3754C>G, p.Arg1252Gly (NM_020475.3, NM_020476.3, NM_020477.3); short protein forms R1293G, R1252G.
Identifiers: ClinVar variation 4782154 (VCV004782154.1).